The following is an entry in ClinVar:

ClinVar aggregate classification (germline): Likely benign. Review status: criteria provided, multiple submitters, no conflicts (2 of 4 stars). 5 submissions from 5 submitters: Likely benign (5). Last evaluated 2024-08-28.

Conditions:
Familial thoracic aortic aneurysm and aortic dissection (TAAD). Also called: Thoracic aortic aneurysms and dissections. Identifiers: Orphanet 91387, MedGen C4707243, MONDO:0019625.
Aneurysm-osteoarthritis syndrome. Also called: Loeys-Dietz syndrome, type 1C; LOEYS-DIETZ SYNDROME WITH OSTEOARTHRITIS; SMAD3-Related Loeys-Dietz Syndrome; ANEURYSMS-OSTEOARTHRITIS SYNDROME. Identifiers: Orphanet 284984, MedGen C3151087, MONDO:0013426, OMIM 613795.

Allele frequency attached by ClinVar (database versions not stated): ExAC 0.00002; gnomAD exomes 0.00002; TOPMed 0.00002.
gnomAD v4.1: 14 of 1,614,086 alleles (0.00087%); highest among the groups gnomAD compares: East Asian, 0.0022%; no homozygotes.

Submissions (5):

Labcorp Genetics (formerly Invitae), Labcorp
Classification: Likely benign for Familial thoracic aortic aneurysm and aortic dissection. Last evaluated: 2024-08-28. Review status: criteria provided, single submitter. Criteria: Invitae Variant Classification Sherloc (09022015). Collection method: clinical testing. Allele origin: germline.

All of Us Research Program, National Institutes of Health
Classification: Likely benign for Aneurysm-osteoarthritis syndrome. Last evaluated: 2024-04-25. Review status: criteria provided, single submitter. Criteria: ACMG Guidelines, 2015. Collection method: clinical testing. Allele origin: germline. Inheritance: Autosomal dominant inheritance. Observed: 3 variant alleles, 3 heterozygotes.
Comment: This study involves interpretation of variants in research participants for the purpose of population health screening. Participant phenotype was not available at the time of variant classification. Additional details can be found in publication PMID: 35346344, PMCID: PMC8962531

Ambry Genetics
Classification: Likely benign for Familial thoracic aortic aneurysm and aortic dissection. Last evaluated: 2022-10-17. Review status: criteria provided, single submitter. Criteria: Ambry Variant Classification Scheme 2023. Collection method: clinical testing. Allele origin: germline.

CHEO Genetics Diagnostic Laboratory, Children's Hospital of Eastern Ontario
Classification: Likely benign for Familial thoracic aortic aneurysm and aortic dissection. Last evaluated: 2020-05-19. Review status: criteria provided, single submitter. Criteria: ACMG Guidelines, 2015. Collection method: clinical testing. Allele origin: germline.

Color Diagnostics, LLC DBA Color Health
Classification: Likely benign for Familial thoracic aortic aneurysm and aortic dissection. Last evaluated: 2019-11-13. Review status: criteria provided, single submitter. Criteria: ACMG Guidelines, 2015. Collection method: clinical testing. Allele origin: germline.

NM_005902.4(SMAD3):c.738G>A (p.Glu246=)

Gene: SMAD3 (SMAD family member 3; plus strand). Cytogenetic location: 15q22.33.
Variant type: single nucleotide variant.
Coding change: c.738G>A on transcript NM_005902.4 (MANE Select); coding-DNA position 738, G replaced by A.
Protein change: p.Glu246=; no amino-acid change (glutamic acid 246 retained).
Molecular consequence: synonymous variant.
Genome position (GRCh38, 1-based): chr15:67,181,320, G>A. VCF-style: chr15-67181320-G-A. GRCh37 (hg19) VCF-style: chr15-67473658-G-A.
Other names: c.423G>A, p.Glu141= (NM_001145102.2); c.606G>A, p.Glu202= (NM_001145103.2); c.153G>A, p.Glu51= (NM_001145104.2).
Identifiers: ClinVar variation 927545 (VCV000927545.11), dbSNP rs771037017, ClinGen allele CA062634.